The following is an entry in ClinVar:

ClinVar aggregate classification (germline): Uncertain significance. Review status: criteria provided, multiple submitters, no conflicts (2 of 4 stars). 3 submissions from 3 submitters: Uncertain significance (3). Last evaluated 2025-05-03.

Allele frequency attached by ClinVar (database versions not stated): TOPMed 0.00014; ESP Exome Variant Server 0.00015; ExAC 0.00018; gnomAD 0.00023; 1000 Genomes Project 0.00040; 1000 Genomes Project 30x 0.00062.
gnomAD v4.1: 124 of 1,610,166 alleles (0.0077%); highest among the groups gnomAD compares: Admixed American, 0.063%; 2 homozygotes.

Submissions (3):

Labcorp Genetics (formerly Invitae), Labcorp
Classification: Uncertain significance. Last evaluated: 2025-05-03. Review status: criteria provided, single submitter. Criteria: Invitae Variant Classification Sherloc (09022015). Collection method: clinical testing. Allele origin: germline.
Comment: This sequence change replaces arginine, which is basic and polar, with histidine, which is basic and polar, at codon 611 of the SPTB protein (p.Arg611His). This variant is present in population databases (rs148927610, gnomAD 0.05%). This variant has not been reported in the literature in individuals affected with SPTB-related conditions. ClinVar contains an entry for this variant (Variation ID: 2436419). An algorithm developed to predict the effect of missense changes on protein structure and function (PolyPhen-2) suggests that this variant is likely to be disruptive. In summary, the available evidence is currently insufficient to determine the role of this variant in disease. Therefore, it has been classified as a Variant of Uncertain Significance.

ARUP Laboratories, Molecular Genetics and Genomics, ARUP Laboratories
Classification: Uncertain significance. Last evaluated: 2023-02-25. Review status: criteria provided, single submitter. Criteria: ARUP Molecular Germline Variant Investigation Process 2024. Collection method: clinical testing. Allele origin: germline.

Revvity Omics, Revvity
Classification: Uncertain significance. Last evaluated: 2022-10-10. Review status: criteria provided, single submitter. Criteria: ACMG Guidelines, 2015. Collection method: clinical testing. Allele origin: germline.

NM_001355436.2(SPTB):c.1832G>A (p.Arg611His)

Gene: SPTB (spectrin beta, erythrocytic; minus strand). Cytogenetic location: 14q23.3.
Variant type: single nucleotide variant.
Coding change: c.1832G>A on transcript NM_001355436.2 (MANE Select); coding-DNA position 1832, G replaced by A.
Protein change: p.Arg611His; replaces arginine 611 with histidine.
Molecular consequence: missense variant.
Genome position (GRCh38, 1-based): chr14:64,793,831, C>T on the plus strand (G>A on the coding strand, the complement: SPTB is on the minus strand). VCF-style: chr14-64793831-C-T. GRCh37 (hg19) VCF-style: chr14-65260549-C-T.
Other names: c.1832G>A, p.Arg611His (NM_001024858.4, NM_001355437.2); short protein forms R611H.
Identifiers: ClinVar variation 2436419 (VCV002436419.5), dbSNP rs148927610, ClinGen allele CA7230995.
Genomic context (GRCh38, chr14:64,793,831, plus strand): 5'-GCCTTCCGCCCAGCTGCCATGTTGCTCAGCTCCTCAAAGCACTGCTCCAAGTGGCTGATG[C>T]GGTCCTGGATGACCTGGGGGTCACAAGGCTGGTACCCTGGAAGAAATAGGGGGAAGGAGG-3'
Protein context (NP_001342365.1, residues 601-621): QPCDPQVIQD[Arg611His]ISHLEQCFEE